The following is an entry in ClinVar:

ClinVar aggregate classification (germline): Uncertain significance. Review status: reviewed by expert panel (3 of 4 stars). 3 submissions from 3 submitters: Uncertain significance (1). 2 of the submissions do not count toward it. Last evaluated 2026-07-20.

Conditions:
Leber congenital amaurosis 10 (LCA10). Identifiers: Orphanet 65, MedGen C1857821, MONDO:0012723, OMIM 611755.
CEP290-related ciliopathy. Also called: CEP290 ciliopathy. Identifiers: MedGen CN305601, MONDO:0100451.
Meckel-Gruber syndrome. Also called: Dysencephalia splachnocystica; DYSENCEPHALIA SPLANCHNOCYSTICA; GRUBER SYNDROME. Identifiers: Orphanet 564, MedGen C0265215, MONDO:0018921.
Nephronophthisis. Also called: Juvenile Nephronophthisis. Identifiers: Orphanet 655, MedGen C0687120, MONDO:0019005, HP:0000090.
Joubert syndrome. Also called: JOUBERT-BOLTSHAUSER SYNDROME; Familial aplasia of the vermis. Identifiers: Orphanet 475, MedGen C5979921, MONDO:0018772.

Submissions (3):

ClinGen Leber Congenital Amaurosis/early Onset Retinal Dystrophy Variant Curation Expert Panel, ClinGen
Classification: Uncertain significance for CEP290-related ciliopathy. Last evaluated: 2026-07-20. Review status: reviewed by expert panel. Criteria: ClinGen LCAeoRD ACMG Specifications CEP290 V1.0.0. Collection method: curation. Allele origin: germline. Inheritance: Autosomal recessive inheritance.
Comment: NM_025114.4(CEP290):c.38T>A (p.Val13Asp) is a missense variant replacing valine with aspartic acid at amino acid 13. This variant is absent from gnomAD v4.1.1 (PM2_Supporting). This variant has been reported in at least 1 proband with early-onset severe retinal dystrophy who was compound heterozygous with the NM_025114.4(CEP290):c.7341dup (p.Leu2448fs) variant confirmed in trans (PMID: 38892339), which was previously classified pathogenic by the ClinGen LCA/eoRD VCEP (1 total point, PM3). The proband harboring this variant exhibits a phenotype including diagnosis of Leber congenital amaurosis (0.5 pts) with nystagmus (0.5 pts), the oculo-digital sign of Franceschetti (0.5 pts) present at birth (0.5 pts), visual function limited to light perception (0.5 pts) and minor fundus changes (1 pt), with genotyping by next-generation sequencing panel of >200 genes finding no alternative basis for retinal disease (2 pts), which together are specific for CEP290-related ciliopathy (total 5.5 points, PMID: 38892339, PP4). The computational predictor CADD gives a score of 26.7, which is above the ClinGen LCA/eoRD VCEP threshold of ≥25.3 and predicts a damaging effect on CEP290 protein function (PP3). Additionally, the splicing impact predictor SpliceAI gives a score of 0.01 for donor gain, which is below the ClinGen LCA/eoRD VCEP recommended threshold of ≥0.2 and does not strongly predict an impact on splicing. In summary, this variant meets the criteria to be classified as a Variant of Uncertain Significance for CEP290-related ciliopathy based on the ACMG/AMP criteria applied, as specified by the ClinGen LCA/eoRD VCEP: PM2_Supporting, PM3, PP3, and PP4. (LCA/eoRD VCEP Specifications for CEP290 Version 1.0.0)

Labcorp Genetics (formerly Invitae), Labcorp
Classification: Uncertain significance for Joubert syndrome; Meckel-Gruber syndrome; Nephronophthisis. Last evaluated: 2022-04-21. Review status: criteria provided, single submitter. Criteria: Invitae Variant Classification Sherloc (09022015). Collection method: clinical testing. Allele origin: germline. Not counted in ClinVar's aggregate classification.
Comment: This sequence change replaces valine, which is neutral and non-polar, with aspartic acid, which is acidic and polar, at codon 13 of the CEP290 protein (p.Val13Asp). This variant is not present in population databases (gnomAD no frequency). This variant has not been reported in the literature in individuals affected with CEP290-related conditions. Algorithms developed to predict the effect of missense changes on protein structure and function are either unavailable or do not agree on the potential impact of this missense change (SIFT: "Deleterious"; PolyPhen-2: "Possibly Damaging"; Align-GVGD: "Class C0"). In summary, the available evidence is currently insufficient to determine the role of this variant in disease. Therefore, it has been classified as a Variant of Uncertain Significance.

Laboratory of Genetics in Ophthalmology, Institut Imagine
Classification: Uncertain significance for Leber congenital amaurosis 10. Review status: no assertion criteria provided. Collection method: research. Allele origin: inherited. Affected: yes. Not counted in ClinVar's aggregate classification.

NM_025114.4(CEP290):c.38T>A (p.Val13Asp)

Gene: CEP290 (centrosomal protein 290; minus strand). Cytogenetic location: 12q21.32.
Variant type: single nucleotide variant.
Coding change: c.38T>A on transcript NM_025114.4 (MANE Select); coding-DNA position 38, T replaced by A.
Protein change: p.Val13Asp; replaces valine 13 with aspartic acid.
Molecular consequence: missense variant.
Genome position (GRCh38, 1-based): chr12:88,141,270, A>T on the plus strand (T>A on the coding strand, the complement: CEP290 is on the minus strand). VCF-style: chr12-88141270-A-T. GRCh37 (hg19) VCF-style: chr12-88535047-A-T.
Other names: NM_025114.4(CEP290):c.38T>A; p.Val13Asp; short protein forms V13D.
Identifiers: ClinVar variation 2128679 (VCV002128679.6), dbSNP rs2501865235, ClinGen allele CA385990383.